The following is an entry in ClinVar:

NM_020158.4(EXOSC5):c.664C>T (p.Arg222Cys)

Gene: EXOSC5 (exosome component 5; minus strand). Cytogenetic location: 19q13.2.
Variant type: single nucleotide variant.
Coding change: c.664C>T on transcript NM_020158.4 (MANE Select); coding-DNA position 664, C replaced by T.
Protein change: p.Arg222Cys; replaces arginine 222 with cysteine.
Molecular consequence: missense variant.
Genome position (GRCh38, 1-based): chr19:41,386,677, G>A on the plus strand (C>T on the coding strand, the complement: EXOSC5 is on the minus strand). VCF-style: chr19-41386677-G-A. GRCh37 (hg19) VCF-style: chr19-41892582-G-A.
Other names: short protein forms R222C.
Identifiers: ClinVar variation 2498781 (VCV002498781.28), dbSNP rs147964002, ClinGen allele CA9460655.

ClinVar aggregate classification (germline): Uncertain significance (1 of 4 stars; one submission).

Allele frequency attached by ClinVar (database versions not stated): gnomAD 0.00006; TOPMed 0.00006; ExAC 0.00010; ESP Exome Variant Server 0.00015.
gnomAD v4.1: 159 of 1,604,152 alleles (0.0099%); highest among the groups gnomAD compares: Non-Finnish European, 0.011%; no homozygotes.

Submission:

CeGaT Center for Human Genetics Tuebingen
Classification: Uncertain significance. Last evaluated: 2023-01-01. Review status: criteria provided, single submitter. Criteria: CeGaT Center For Human Genetics Tuebingen Variant Classification Criteria Version 2. Collection method: clinical testing. Allele origin: germline. Affected: yes. Observed: 1 variant allele.
Comment: EXOSC5: PM2, BP4